The following is an entry in ClinVar:

NM_052947.4(ALPK2):c.4685G>T (p.Gly1562Val)

Genes: ALPK2 (alpha kinase 2; minus strand), LOC126862764 (BRD4-independent group 4 enhancer GRCh37_chr18:56202574-56203773; plus strand). Cytogenetic location: 18q21.31.
Variant type: single nucleotide variant.
Coding change: c.4685G>T on transcript NM_052947.4 (MANE Select); coding-DNA position 4685, G replaced by T.
Protein change: p.Gly1562Val; replaces glycine 1562 with valine.
Molecular consequence: missense variant.
Genome position (GRCh38, 1-based): chr18:58,535,502, C>A on the plus strand (G>T on the coding strand, the complement: ALPK2 is on the minus strand). VCF-style: chr18-58535502-C-A. GRCh37 (hg19) VCF-style: chr18-56202734-C-A.
Other names: short protein forms G1562V.
Identifiers: ClinVar variation 2450895 (VCV002450895.2), dbSNP rs2051639599, ClinGen allele CA402560414.
Genomic context (GRCh38, chr18:58,535,502, plus strand): 5'-AACACATACTGACGCTTTCTGGGCTCAACTATGTCATTTTCAGGGACGTCATGAATTTGG[C>A]CTGTGGAGTTGTGCGTGTCAACCCCAAGAGAAGCGTGAGTCATTATTGGAAGACAACTAG-3'
Protein context (NP_443179.3, residues 1552-1572): SLGVDTHNST[Gly1562Val]QIHDVPENDI

ClinVar aggregate classification (germline): Uncertain significance (1 of 4 stars; one submission).

Allele frequency attached by ClinVar (database versions not stated): TOPMed below 0.00001; gnomAD exomes 0.00001.
gnomAD v4.1: 7 of 1,614,160 alleles (0.00043%); highest among the groups gnomAD compares: Non-Finnish European, 0.00059%; no homozygotes.

Submission:

Ambry Genetics
Classification: Uncertain significance. Last evaluated: 2022-12-24. Review status: criteria provided, single submitter. Criteria: Ambry Variant Classification Scheme 2023. Collection method: clinical testing. Allele origin: germline.
Comment: The p.G1562V variant (also known as c.4685G>T), located in coding exon 4 of the ALPK2 gene, results from a G to T substitution at nucleotide position 4685. The glycine at codon 1562 is replaced by valine, an amino acid with dissimilar properties. This amino acid position is conserved. In addition, this alteration is predicted to be tolerated by in silico analysis. Since supporting evidence is limited at this time, the clinical significance of this alteration remains unclear.